The following is an entry in ClinVar:

NM_000551.4(VHL):c.343C>A (p.His115Asn)

Genes: VHL (von Hippel-Lindau tumor suppressor; plus strand), LOC107303340 (3p25 von Hippel-Lindau tumor suppressor, E3 ubiquitin protein ligase Alu-mediated recombination region; plus strand). Cytogenetic location: 3p25.3.
Variant type: single nucleotide variant.
Coding change: c.343C>A on transcript NM_000551.4 (MANE Select); coding-DNA position 343, C replaced by A.
Protein change: p.His115Asn; replaces histidine 115 with asparagine.
Molecular consequence: missense variant. On other transcripts: non-coding transcript variant (1), intron variant (2).
Genome position (GRCh38, 1-based): chr3:10,146,516, C>A. VCF-style: chr3-10146516-C-A. GRCh37 (hg19) VCF-style: chr3-10188200-C-A.
Other names: c.*18-3271C>A (NM_001354723.2); c.341-3271C>A (NM_198156.3); short protein forms H115N.
Identifiers: ClinVar variation 2952701 (VCV002952701.3), dbSNP rs5030811, ClinGen allele CA351753617.

ClinVar aggregate classification (germline): Uncertain significance (1 of 4 stars; one submission).

Conditions:
Von Hippel-Lindau syndrome (VHLS). Also called: VHL syndrome; Von Hippel-Lindau; von Hippel–Lindau syndrome. Identifiers: Orphanet 892, MedGen C0019562, MONDO:0008667, OMIM 193300. Disease mechanism: loss of function.
Chuvash polycythemia. Also called: POLYCYTHEMIA, VHL-DEPENDENT. Identifiers: Orphanet 238557, MedGen C1837915, MONDO:0009892, OMIM 263400.

Submission:

Labcorp Genetics (formerly Invitae), Labcorp
Classification: Uncertain significance for Von Hippel-Lindau syndrome; Chuvash polycythemia. Last evaluated: 2025-05-23. Review status: criteria provided, single submitter. Criteria: Invitae Variant Classification Sherloc (09022015). Collection method: clinical testing. Allele origin: germline.
Comment: This sequence change replaces histidine, which is basic and polar, with asparagine, which is neutral and polar, at codon 115 of the VHL protein (p.His115Asn). This variant is not present in population databases (gnomAD no frequency). This missense change has been observed in individual(s) with clinical features consistent with von Hippel-Lindau syndrome (internal data). ClinVar contains an entry for this variant (Variation ID: 2952701). An algorithm developed to predict the effect of missense changes on protein structure and function (PolyPhen-2) suggests that this variant is likely to be disruptive. This variant disrupts the p.His115 amino acid residue in VHL. Other variant(s) that disrupt this residue have been determined to be pathogenic (PMID: 7728151, 8707293, 9829912, 12202531, 17024664, 22357542). This suggests that this residue is clinically significant, and that variants that disrupt this residue are likely to be disease-causing. In summary, the available evidence is currently insufficient to determine the role of this variant in disease. Therefore, it has been classified as a Variant of Uncertain Significance.

Literature cited by the submitters: PubMed 7728151; PubMed 8707293; PubMed 9829912; PubMed 12202531; PubMed 17024664; PubMed 22357542.